The following is an entry in ClinVar:

ClinVar aggregate classification (germline): Pathogenic. Review status: criteria provided, single submitter (1 of 4 stars). 2 submissions from 2 submitters: Pathogenic (1). 1 of the submissions does not count toward it. Last evaluated 2022-07-22.

Conditions:
Walker-Warburg congenital muscular dystrophy. Also called: Muscular dystrophy-dystroglycanopathy, type A; Walker-Warburg syndrome. Identifiers: Orphanet 899, MedGen C0265221, MONDO:0000171.
Autosomal recessive limb-girdle muscular dystrophy type 2I. Also called: MUSCULAR DYSTROPHY-DYSTROGLYCANOPATHY, LIMB-GIRDLE, FRKP-RELATED; MUSCULAR DYSTROPHY-DYSTROGLYCANOPATHY (LIMB-GIRDLE), TYPE C, 5; MUSCULAR DYSTROPHY, LIMB-GIRDLE, TYPE 2I. Identifiers: Orphanet 34515, MedGen C1846672, MONDO:0011787, OMIM 607155.

Submissions (2):

Labcorp Genetics (formerly Invitae), Labcorp
Classification: Pathogenic for Walker-Warburg congenital muscular dystrophy. Last evaluated: 2022-07-22. Review status: criteria provided, single submitter. Criteria: Invitae Variant Classification Sherloc (09022015). Collection method: clinical testing. Allele origin: germline.
Comment: ClinVar contains an entry for this variant (Variation ID: 556745). For these reasons, this variant has been classified as Pathogenic. This variant disrupts a region of the FKRP protein in which other variant(s) (p.Ile478Thr) have been determined to be pathogenic (PMID: 16476814, 18639457, 19299310). This suggests that this is a clinically significant region of the protein, and that variants that disrupt it are likely to be disease-causing. This variant has not been reported in the literature in individuals affected with FKRP-related conditions. This variant is not present in population databases (gnomAD no frequency). This sequence change creates a premature translational stop signal (p.Ala266Argfs*11) in the FKRP gene. While this is not anticipated to result in nonsense mediated decay, it is expected to disrupt the last 230 amino acid(s) of the FKRP protein.

Counsyl
Classification: Likely pathogenic for Autosomal recessive limb-girdle muscular dystrophy type 2I. Last evaluated: 2018-02-15. Review status: no assertion criteria provided. Collection method: clinical testing. Allele origin: unknown. Not counted in ClinVar's aggregate classification.

Literature cited by the submitters: PubMed 16476814 (cited by Labcorp Genetics (formerly Invitae), Labcorp); PubMed 18639457 (cited by Labcorp Genetics (formerly Invitae), Labcorp); PubMed 19299310 (cited by Labcorp Genetics (formerly Invitae), Labcorp).

NM_024301.5(FKRP):c.796del (p.Ala266fs)

Gene: FKRP (fukutin related protein; plus strand). Cytogenetic location: 19q13.32.
Variant type: Deletion.
Coding change: c.796del on transcript NM_024301.5 (MANE Select); coding-DNA position 796, one base deleted (G; older notation c.796delG).
Protein change: p.Ala266fs; shifts the reading frame from alanine 266.
Molecular consequence: frameshift variant.
Genome position (GRCh38, 1-based): chr19:46,756,246, G deleted; the last of 3 consecutive G bases (chr19:46,756,244-46,756,246); deleting any one gives the same sequence. VCF-style (leftmost placement, unchanged base first): chr19-46756243-CG-C. GRCh37 (hg19) VCF-style: chr19-47259500-CG-C.
Other names: c.796del, p.Ala266fs (NM_001039885.3); short protein forms A266fs.
Identifiers: ClinVar variation 556745 (VCV000556745.7), dbSNP rs1555738764, ClinGen allele CA658825104.
Genomic context (GRCh38, chr19:46,756,243, plus strand): 5'-CAGCCCCCGCTGGCCACGGCCCACGCGCGCTGGAAGGCTGAGCGCGAGGGACGCGCTCGG[CG>C]GGCGGCGCTGCTCCGCGCGCTGGGCATCCGCCTAGTGAGCTGGGAAGGCGGGCGGCTGGA-3'